The following is an entry in ClinVar:

ClinVar aggregate classification (germline): Uncertain significance (1 of 4 stars; one submission).

Conditions:
Inborn genetic diseases. Identifiers: MedGen C0950123, MeSH D030342.

Submission:

Ambry Genetics
Classification: Uncertain significance for Inborn genetic diseases. Last evaluated: 2025-12-21. Review status: criteria provided, single submitter. Criteria: Ambry Variant Classification Scheme 2023. Collection method: clinical testing. Allele origin: germline.
Comment: The p.T226S variant (also known as c.676A>T), located in coding exon 4 of the KDM1A gene, results from an A to T substitution at nucleotide position 676. The threonine at codon 226 is replaced by serine, an amino acid with similar properties. This amino acid position is conserved. In addition, this alteration is predicted to be tolerated by in silico analysis. Based on the available evidence, the clinical significance of this variant remains unclear.

NM_001009999.3(KDM1A):c.676A>T (p.Thr226Ser)

Gene: KDM1A (lysine demethylase 1A; plus strand). Cytogenetic location: 1p36.12.
Variant type: single nucleotide variant.
Coding change: c.676A>T on transcript NM_001009999.3 (MANE Select); coding-DNA position 676, A replaced by T.
Protein change: p.Thr226Ser; replaces threonine 226 with serine.
Molecular consequence: missense variant.
Genome position (GRCh38, 1-based): chr1:23,050,485, A>T. VCF-style: chr1-23050485-A-T. GRCh37 (hg19) VCF-style: chr1-23376978-A-T.
Other names: c.616A>T, p.Thr206Ser (NM_001363654.2, NM_001410763.1, NM_015013.4); c.676A>T, p.Thr226Ser (NM_001410762.1); short protein forms T206S, T226S.
Identifiers: ClinVar variation 4841905 (VCV004841905.1).
Genomic context (GRCh38, chr1:23,050,485, plus strand): 5'-GACCGGATGACTTCTCAAGAAGCAGCCTGTTTTCCAGATATTATCAGTGGACCACAACAG[A>T]CCCAGAAGGTTTTTCTTTTCATTAGAAACCGCACAGTAAGTTTCCATTTCAGCTTTTTCA-3'
Protein context (NP_001009999.1, residues 216-236): FPDIISGPQQ[Thr226Ser]QKVFLFIRNR